The following is an entry in ClinVar:

ClinVar aggregate classification (germline): Conflicting classifications of pathogenicity. Review status: criteria provided, conflicting classifications (1 of 4 stars). 3 submissions from 3 submitters: Uncertain significance (1); Likely benign (2). Last evaluated 2022-06-29.

Conditions:
Inborn genetic diseases. Identifiers: MedGen C0950123, MeSH D030342.
Isovaleryl-CoA dehydrogenase deficiency (IVA). Also called: Classic Isovaleric Acidemia; IVD DEFICIENCY; Isovaleric acidemia; ISOVALERIC ACID CoA DEHYDROGENASE DEFICIENCY. Identifiers: Orphanet 33, MedGen C0268575, MONDO:0009475, OMIM 243500.

Allele frequency attached by ClinVar (database versions not stated): ExAC 0.00011; gnomAD 0.00011 and 0.00012; gnomAD exomes 0.00011; TOPMed 0.00011.
gnomAD v4.1: 229 of 1,614,196 alleles (0.014%); highest among the groups gnomAD compares: Non-Finnish European, 0.018%; 1 homozygote.

Submissions (3):

Labcorp Genetics (formerly Invitae), Labcorp
Classification: Uncertain significance for Isovaleryl-CoA dehydrogenase deficiency. Last evaluated: 2022-06-29. Review status: criteria provided, single submitter. Criteria: Invitae Variant Classification Sherloc (09022015). Collection method: clinical testing. Allele origin: germline.
Comment: This sequence change affects codon 324 of the IVD mRNA. It is a 'silent' change, meaning that it does not change the encoded amino acid sequence of the IVD protein. It affects a nucleotide within the consensus splice site. This variant is present in population databases (rs146011049, gnomAD 0.03%). This variant has not been reported in the literature in individuals affected with IVD-related conditions. ClinVar contains an entry for this variant (Variation ID: 507082). Algorithms developed to predict the effect of sequence changes on RNA splicing suggest that this variant is not likely to affect RNA splicing. In summary, the available evidence is currently insufficient to determine the role of this variant in disease. Therefore, it has been classified as a Variant of Uncertain Significance.

Ambry Genetics
Classification: Likely benign for Inborn genetic diseases. Last evaluated: 2021-07-19. Review status: criteria provided, single submitter. Criteria: Ambry Variant Classification Scheme 2023. Collection method: clinical testing. Allele origin: germline.

GeneDx
Classification: Likely benign. Last evaluated: 2017-02-01. Review status: criteria provided, single submitter. Criteria: GeneDx Variant Classification (06012015). Collection method: clinical testing. Allele origin: germline. Affected: yes.
Comment: This variant is considered likely benign or benign based on one or more of the following criteria: it is a conservative change, it occurs at a poorly conserved position in the protein, it is predicted to be benign by multiple in silico algorithms, and/or has population frequency not consistent with disease.

NM_002225.5(IVD):c.961T>C (p.Leu321=)

Gene: IVD (isovaleryl-CoA dehydrogenase; plus strand). Cytogenetic location: 15q15.1.
Variant type: single nucleotide variant.
Coding change: c.961T>C on transcript NM_002225.5 (MANE Select); coding-DNA position 961, T replaced by C.
Protein change: p.Leu321=; no amino-acid change (leucine 321 retained).
Molecular consequence: synonymous variant. On other transcripts: non-coding transcript variant (1).
Genome position (GRCh38, 1-based): chr15:40,416,078, T>C. VCF-style: chr15-40416078-T-C. GRCh37 (hg19) VCF-style: chr15-40708277-T-C.
Other names: c.871T>C, p.Leu291= (NM_001159508.3); c.913T>C, p.Leu305= (NM_001354597.3); c.961T>C, p.Leu321= (NM_001354598.3, NM_001354601.3); c.1048T>C, p.Leu350= (NM_001354599.3, NM_001354600.3).
Identifiers: ClinVar variation 507082 (VCV000507082.4), dbSNP rs146011049, ClinGen allele CA7480826.